The following is an entry in ClinVar:

ClinVar aggregate classification (germline): Uncertain significance (1 of 4 stars; one submission).

Conditions:
Early Myoclonic Encephalopathy. Identifiers: MedGen C0270855.

Allele frequency attached by ClinVar (database versions not stated): gnomAD 0.00001 and below 0.00001; ExAC 0.00002; gnomAD exomes 0.00001 and below 0.00001; TOPMed 0.00002.
gnomAD v4.1: 10 of 1,614,034 alleles (0.00062%); highest among the groups gnomAD compares: South Asian, 0.0099%; no homozygotes.

Submission:

Labcorp Genetics (formerly Invitae), Labcorp
Classification: Uncertain significance for Early Myoclonic Encephalopathy. Last evaluated: 2019-10-08. Review status: criteria provided, single submitter. Criteria: Invitae Variant Classification Sherloc (09022015). Collection method: clinical testing. Allele origin: germline.
Comment: This sequence change replaces proline with leucine at codon 756 of the JMJD1C protein (p.Pro756Leu). The proline residue is moderately conserved and there is a moderate physicochemical difference between proline and leucine. This variant is present in population databases (rs763508324, ExAC 0.02%). This variant has not been reported in the literature in individuals with JMJD1C-related conditions. Algorithms developed to predict the effect of missense changes on protein structure and function are either unavailable or do not agree on the potential impact of this missense change (SIFT: "Deleterious"; PolyPhen-2: "Possibly Damaging"; Align-GVGD: "Class C0"). In summary, the available evidence is currently insufficient to determine the role of this variant in disease. Therefore, it has been classified as a Variant of Uncertain Significance.

NM_032776.3(JMJD1C):c.2267C>T (p.Pro756Leu)

Gene: JMJD1C (jumonji domain containing 1C; minus strand). Cytogenetic location: 10q21.3.
Variant type: single nucleotide variant.
Coding change: c.2267C>T on transcript NM_032776.3 (MANE Select); coding-DNA position 2267, C replaced by T.
Protein change: p.Pro756Leu; replaces proline 756 with leucine.
Molecular consequence: missense variant. On other transcripts: non-coding transcript variant (1).
Genome position (GRCh38, 1-based): chr10:63,213,900, G>A on the plus strand (C>T on the coding strand, the complement: JMJD1C is on the minus strand). VCF-style: chr10-63213900-G-A. GRCh37 (hg19) VCF-style: chr10-64973660-G-A.
Other names: c.1721C>T, p.Pro574Leu (NM_001282948.2, NM_001318154.2); c.1403C>T, p.Pro468Leu (NM_001318153.2); c.2153C>T, p.Pro718Leu (NM_001322252.2); c.1610C>T, p.Pro537Leu (NM_001322254.2, NM_001322258.2); short protein forms P468L, P537L, P574L, P718L, P756L.
Identifiers: ClinVar variation 962257 (VCV000962257.9), dbSNP rs763508324, ClinGen allele CA5518662.